The following is an entry in ClinVar:

NM_020851.3(ISLR2):c.1624C>T (p.Gln542Ter)

Gene: ISLR2 (immunoglobulin superfamily containing leucine rich repeat 2; plus strand). Cytogenetic location: 15q24.1.
Variant type: single nucleotide variant.
Coding change: c.1624C>T on transcript NM_020851.3 (MANE Select); coding-DNA position 1624, C replaced by T.
Protein change: p.Gln542Ter; replaces glutamine 542 with a stop codon.
Molecular consequence: nonsense.
Genome position (GRCh38, 1-based): chr15:74,134,378, C>T. VCF-style: chr15-74134378-C-T. GRCh37 (hg19) VCF-style: chr15-74426719-C-T.
Other names: c.1624C>T, p.Gln542Ter (NM_001130136.1, NM_001130137.1, NM_001130138.2); short protein forms Q542*.
Identifiers: ClinVar variation 1353825 (VCV001353825.7), dbSNP rs373225895, ClinGen allele CA393124131.
Genomic context (GRCh38, chr15:74,134,378, plus strand): 5'-CCCGGGCGGCGACCCCTGCGCCTACTCTATCTGTGTCCAGCGGGGGGCGGCGCGGCAGTG[C>T]AGTGGTCCCGCGTAGAGGAAGGCGTCAACGCCTACTGGTTCCGCGGCCTGCGGCCGGGTA-3'

ClinVar aggregate classification (germline): Uncertain significance (1 of 4 stars; one submission).

gnomAD v4.1: 6 of 1,606,486 alleles (0.00037%); highest among the groups gnomAD compares: Admixed American, 0.01%; no homozygotes.

Submission:

Labcorp Genetics (formerly Invitae), Labcorp
Classification: Uncertain significance. Last evaluated: 2021-06-17. Review status: criteria provided, single submitter. Criteria: Invitae Variant Classification Sherloc (09022015). Collection method: clinical testing. Allele origin: germline.
Comment: In summary, the available evidence is currently insufficient to determine the role of this variant in disease. Therefore, it has been classified as a Variant of Uncertain Significance. This variant has been observed in individual(s) with hydrocephalus (Invitae). This variant is not present in population databases (ExAC no frequency). This sequence change creates a premature translational stop signal (p.Gln542*) in the ISLR2 gene. While this is not anticipated to result in nonsense mediated decay, it is expected to disrupt the last 204 amino acid(s) of the ISLR2 protein.